The following is an entry in ClinVar:

NM_032444.4(SLX4):c.4427C>G (p.Thr1476Ser)

Gene: SLX4 (SLX4 structure-specific endonuclease subunit; minus strand). Cytogenetic location: 16p13.3.
Variant type: single nucleotide variant.
Coding change: c.4427C>G on transcript NM_032444.4 (MANE Select); coding-DNA position 4427, C replaced by G.
Protein change: p.Thr1476Ser; replaces threonine 1476 with serine.
Molecular consequence: missense variant.
Genome position (GRCh38, 1-based): chr16:3,589,211, G>C on the plus strand (C>G on the coding strand, the complement: SLX4 is on the minus strand). VCF-style: chr16-3589211-G-C. GRCh37 (hg19) VCF-style: chr16-3639212-G-C.
Other names: c.4427C>G (LRG_503t1); short protein forms T1476S.
Identifiers: ClinVar variation 241691 (VCV000241691.12), dbSNP rs372321470, ClinGen allele CA7865641.

ClinVar aggregate classification (germline): Uncertain significance. Review status: criteria provided, multiple submitters, no conflicts (2 of 4 stars). 4 submissions from 4 submitters: Uncertain significance (3). 1 of the submissions does not count toward it. Last evaluated 2026-01-05.

Conditions:
Fanconi anemia complementation group P. Also called: SLX4-Related Fanconi Anemia. Identifiers: Orphanet 84, MedGen C3469542, MONDO:0013499, OMIM 613951.
Fanconi anemia (FA). Also called: Fanconi's anemia. Identifiers: Orphanet 84, MedGen C0015625, MeSH D005199, MONDO:0019391.

Allele frequency attached by ClinVar (database versions not stated): ExAC 0.00002; gnomAD exomes 0.00002; ESP Exome Variant Server 0.00008.
gnomAD v4.1: 20 of 1,613,888 alleles (0.0012%); highest among the groups gnomAD compares: Non-Finnish European, 0.0016%; no homozygotes.

Submissions (4):

Labcorp Genetics (formerly Invitae), Labcorp
Classification: Uncertain significance for Fanconi anemia. Last evaluated: 2026-01-05. Review status: criteria provided, single submitter. Criteria: Invitae Variant Classification Sherloc (09022015). Collection method: clinical testing. Allele origin: germline.
Comment: This sequence change replaces threonine, which is neutral and polar, with serine, which is neutral and polar, at codon 1476 of the SLX4 protein (p.Thr1476Ser). This variant is present in population databases (rs372321470, gnomAD 0.004%). This variant has not been reported in the literature in individuals affected with SLX4-related conditions. ClinVar contains an entry for this variant (Variation ID: 241691). An algorithm developed to predict the effect of missense changes on protein structure and function outputs the following: PolyPhen-2: "Benign". The serine amino acid residue is found in multiple mammalian species, which suggests that this missense change does not adversely affect protein function. In summary, the available evidence is currently insufficient to determine the role of this variant in disease. Therefore, it has been classified as a Variant of Uncertain Significance.

Fulgent Genetics
Classification: Uncertain significance for Fanconi anemia complementation group P. Last evaluated: 2024-05-11. Review status: criteria provided, single submitter. Criteria: ACMG Guidelines, 2015. Collection method: clinical testing. Allele origin: germline.

Illumina Laboratory Services, Illumina
Classification: Uncertain significance for Fanconi anemia complementation group P. Last evaluated: 2017-04-27. Review status: criteria provided, single submitter. Criteria: ICSL Variant Classification Criteria 13 December 2019. Collection method: clinical testing. Allele origin: germline.

Leiden Open Variation Database
Classification: Likely benign. Last evaluated: 2012-08-31. Review status: no assertion criteria provided. Collection method: curation. Allele origin: germline. Affected: yes. Not counted in ClinVar's aggregate classification.
Comment: Curator: Arleen D. Auerbach. Submitter to LOVD: Janine Bakker.

Literature cited by the submitters: PubMed 22911665 (cited by Leiden Open Variation Database).